The following is an entry in ClinVar:

NM_000094.4(COL7A1):c.1513dup (p.Glu505fs)

Gene: COL7A1 (collagen type VII alpha 1 chain; minus strand). Cytogenetic location: 3p21.31.
Variant type: Duplication.
Coding change: c.1513dup on transcript NM_000094.4 (MANE Select); coding-DNA position 1513, one base duplicated (G; older notation c.1513dupG).
Protein change: p.Glu505fs; shifts the reading frame from glutamic acid 505.
Molecular consequence: frameshift variant.
Genome position (GRCh38, 1-based): chr3:48,591,587, C duplicated on the plus strand (G on the coding strand, the reverse complement: COL7A1 is on the minus strand). VCF-style (leftmost placement, unchanged base first): chr3-48591586-T-TC. GRCh37 (hg19) VCF-style: chr3-48629019-T-TC.
Other names: short protein forms E505fs.
Identifiers: ClinVar variation 2788538 (VCV002788538.3), dbSNP rs2531312088, ClinGen allele CA2739278126.

ClinVar aggregate classification (germline): Pathogenic (1 of 4 stars; one submission).

Submission:

Labcorp Genetics (formerly Invitae), Labcorp
Classification: Pathogenic. Last evaluated: 2023-03-20. Review status: criteria provided, single submitter. Criteria: Invitae Variant Classification Sherloc (09022015). Collection method: clinical testing. Allele origin: germline.
Comment: For these reasons, this variant has been classified as Pathogenic. This sequence change creates a premature translational stop signal (p.Glu505Glyfs*44) in the COL7A1 gene. It is expected to result in an absent or disrupted protein product. Loss-of-function variants in COL7A1 are known to be pathogenic (PMID: 16971478). This variant is not present in population databases (gnomAD no frequency). This variant has not been reported in the literature in individuals affected with COL7A1-related conditions.

Literature cited by the submitters: PubMed 16971478.